The following is an entry in ClinVar:

NM_152564.5(VPS13B):c.412+1G>T

Gene: VPS13B (vacuolar protein sorting 13 homolog B; plus strand). Cytogenetic location: 8q22.2.
Variant type: single nucleotide variant.
Coding change: c.412+1G>T on transcript NM_152564.5 (MANE Select); the canonical splice donor site of the intron after coding-DNA position 412, G replaced by T.
Molecular consequence: splice donor variant.
Genome position (GRCh38, 1-based): chr8:99,096,433, G>T. VCF-style: chr8-99096433-G-T. GRCh37 (hg19) VCF-style: chr8-100108661-G-T.
Other names: c.412+1G>T (NM_017890.5, NM_015243.3, NM_181661.3 and 1 more transcripts).
Identifiers: ClinVar variation 402219 (VCV000402219.4), dbSNP rs1057517295, ClinGen allele CA16609519.
Genomic context (GRCh38, chr8:99,096,433, plus strand): 5'-CATCAATCAAACCGCGGAGAATGCAGCAGGCTGCTCCTACAGATCCTGACTTACCACCAG[G>T]TAACTTCTAATGGGATCAATAAAACCAAATTTCAATTTTTGGCCGGGCATGGTGGCTCAT-3'

ClinVar aggregate classification (germline): Pathogenic/Likely pathogenic. Review status: criteria provided, multiple submitters, no conflicts (2 of 4 stars). 4 submissions from 4 submitters: Pathogenic (3); Likely pathogenic (1). Last evaluated 2024-09-09.

Conditions:
Cohen syndrome (COH1). Also called: Cutis verticis gyrata, retinitis pigmentosa, and sensorineural deafness; PEPPER SYNDROME. Identifiers: Orphanet 193, MedGen C0265223, MONDO:0008999, OMIM 216550.
Abnormal brain morphology. Also called: Abnormality of brain morphology. Identifiers: MedGen C4021085, HP:0012443.

gnomAD v4.1: 1 of 1,613,890 alleles (0.000062%); highest among the groups gnomAD compares: Middle Eastern, 0.017%; no homozygotes.

Submissions (4):

Natera, Inc.
Classification: Pathogenic for Cohen syndrome. Last evaluated: 2024-09-09. Review status: criteria provided, single submitter. Criteria: Natera Variant Classification Schema (03/2026). Collection method: clinical testing. Allele origin: germline.
Comment: The c.412+1G>T variant in VPS13B is a canonical splice donor site variant predicted to affect pre-mRNA splicing, which may result in an abnormal transcript and altered protein product. This variant is expected to result in nonsense mediated decay, truncation, or a dysfunctional protein product. This variant is rare in the general population with a frequency below the threshold expected for the associated phenotype(s). This variant has been observed in one or more individuals affected with the associated recessive disease, as either homozygous or compound heterozygous with a second variant (PMID: 36067876). Additionally, this variant has been observed to segregate in affected family members (PMID: 36067876). Given the available evidence, this variant is classified as Pathogenic.

3billion
Classification: Pathogenic for Cohen syndrome. Last evaluated: 2023-10-18. Review status: criteria provided, single submitter. Criteria: ACMG Guidelines, 2015. Collection method: clinical testing. Allele origin: germline. Affected: yes.
Comment: The variant is not observed in the gnomAD v2.1.1 dataset. Predicted Consequence/Location: Canonical splice site: predicted to alter splicing and result in a loss or disruption of normal protein function. Multiple pathogenic loss-of-function variants are reported downstream of the variant. The variant has been reported at least twice as pathogenic without evidence for the classification (ClinVar ID: VCV000402219 /PMID: 26539891). Therefore, this variant is classified as Pathogenic according to the recommendation of ACMG/AMP guideline.

Broad Center for Mendelian Genomics, Broad Institute of MIT and Harvard
Classification: Pathogenic for Cohen syndrome. Last evaluated: 2023-05-02. Review status: criteria provided, single submitter. Criteria: ACMG Guidelines, 2015. Collection method: curation. Allele origin: germline. Inheritance: Autosomal recessive inheritance.
Comment: The c.412+1G>T variant in VPS13B has been previously reported in one individual with Cohen syndrome (PMID: 26539891). This variant has also been reported in ClinVar (Variation ID: 402219) and has been interpreted as likely pathogenic by the Lupski Lab of the Baylor College of Medicine. A different nucleotide change that also results in a splice donor variant at the same site, c.412+1G>A has been reported likely pathogenic in ClinVar (Variation ID: 371467), and the variant being assessed here, c.412+1G>T, is predicted by SpliceAI to have a similar effect on splicing. This variant was absent from large population studies. This variant is located in the 5' splice region. Computational tools predict a splicing impact, though this information is not predictive enough to determine pathogenicity. Loss of function of the VPS13B gene is an established disease mechanism in autosomal recessive Cohen syndrome. In summary, this variant meets criteria to be classified as pathogenic for autosomal recessive Cohen syndrome. ACMG/AMP Criteria applied: PVS1, PS1_Supporting, PM2_Supporting, PM3 (Richards 2015).

Lupski Lab, Baylor-Hopkins CMG, Baylor College of Medicine
Classification: Likely pathogenic for Abnormal brain morphology. Review status: criteria provided, single submitter. Criteria: Karaca et al. (Neuron 2015). Collection method: research. Allele origin: inherited. Inheritance: Autosomal recessive inheritance. Affected: yes.

Literature cited by the submitters: PubMed 36067876 (cited by Natera, Inc.); PubMed 26539891 (cited by 3billion).